The following is an entry in ClinVar:

ClinVar aggregate classification (germline): Benign (1 of 4 stars; one submission).

Conditions:
Tuberous sclerosis 1 (TSC1). Identifiers: Orphanet 805, MedGen C1854465, MONDO:0008612, OMIM 191100.

gnomAD v4.1: 1 of 1,582,142 alleles (0.000063%); no homozygotes.

Submission:

Myriad Genetics, Inc.
Classification: Benign for Tuberous sclerosis 1. Last evaluated: 2025-04-28. Review status: criteria provided, single submitter. Criteria: Myriad Autosomal Dominant, Autosomal Recessive and X-Linked Classification Criteria (2023). Collection method: clinical testing. Allele origin: unknown.
Comment: This variant is considered benign. This variant is a silent/synonymous amino acid change and it is not expected to impact splicing.

NM_000368.5(TSC1):c.2655G>C (p.Arg885=)

Gene: TSC1 (TSC complex subunit 1; minus strand). Cytogenetic location: 9q34.13.
Variant type: single nucleotide variant.
Coding change: c.2655G>C on transcript NM_000368.5 (MANE Select); coding-DNA position 2655, G replaced by C.
Protein change: p.Arg885=; no amino-acid change (arginine 885 retained).
Molecular consequence: synonymous variant. On other transcripts: non-coding transcript variant (5).
Genome position (GRCh38, 1-based): chr9:132,897,581, C>G on the plus strand (G>C on the coding strand, the complement: TSC1 is on the minus strand). VCF-style: chr9-132897581-C-G. GRCh37 (hg19) VCF-style: chr9-135772968-C-G.
Other names: c.2652G>C, p.Arg884= (NM_001162426.2, NM_001406597.1, NM_001406598.1 and 2 more transcripts); c.2502G>C, p.Arg834= (NM_001162427.2, NM_001406610.1); c.2292G>C, p.Arg764= (NM_001362177.2, NM_001406614.1, NM_001406615.1 and 4 more transcripts); c.2655G>C, p.Arg885= (NM_001406592.1, NM_001406593.1, NM_001406594.1 and 2 more transcripts); c.2640G>C, p.Arg880= (NM_001406601.1, NM_001406602.1); c.2637G>C, p.Arg879= (NM_001406603.1, NM_001406604.1); c.2613G>C, p.Arg871= (NM_001406605.1, NM_001406606.1, NM_001406607.1); c.2610G>C, p.Arg870= (NM_001406608.1, NM_001406609.1); and 8 more.
Identifiers: ClinVar variation 4071267 (VCV004071267.1).